The following is an entry in ClinVar:

NM_178140.4(PDZD2):c.7728-9A>G

Gene: PDZD2 (PDZ domain containing 2; plus strand). Cytogenetic location: 5p13.3.
Variant type: single nucleotide variant.
Coding change: c.7728-9A>G on transcript NM_178140.4 (MANE Select); 9 bases into the intron before coding-DNA position 7728, A replaced by G.
Molecular consequence: intron variant.
Genome position (GRCh38, 1-based): chr5:32,092,898, A>G. VCF-style: chr5-32092898-A-G. GRCh37 (hg19) VCF-style: chr5-32093004-A-G.
Identifiers: ClinVar variation 3042087 (VCV003042087.2), dbSNP rs370984529, ClinGen allele CA3220381.

ClinVar aggregate classification (germline): Benign (0 of 4 stars; one submission).

Conditions:
PDZD2-related disorder. Also called: PDZD2-related condition.

Allele frequency attached by ClinVar (database versions not stated): TOPMed 0.00005; gnomAD 0.00025; gnomAD exomes 0.00051; ExAC 0.00123; 1000 Genomes Project 30x 0.00172; 1000 Genomes Project 0.00180.
gnomAD v4.1: 654 of 1,334,696 alleles (0.049%); highest among the groups gnomAD compares: South Asian, 0.77%; 10 homozygotes.

Submission:

PreventionGenetics, part of Exact Sciences
Classification: Benign for PDZD2-related condition. Last evaluated: 2019-05-13. Review status: no assertion criteria provided. Collection method: clinical testing. Allele origin: germline.
Comment: This variant is classified as benign based on ACMG/AMP sequence variant interpretation guidelines (Richards et al. 2015 PMID: 25741868, with internal and published modifications).